The following is an entry in ClinVar:

ClinVar aggregate classification (germline): Benign/Likely benign. Review status: criteria provided, multiple submitters, no conflicts (2 of 4 stars). 3 submissions from 3 submitters: Benign (2); Likely benign (1). Last evaluated 2024-11-01.

Conditions:
Koolen-de Vries syndrome (KDVS). Identifiers: Orphanet 96169, MedGen C1864871, MONDO:0012496, OMIM 610443.

Allele frequency attached by ClinVar (database versions not stated): gnomAD below 0.00001 and 0.00028; TOPMed 0.00002; gnomAD exomes 0.00045 and 0.00092; ExAC 0.00105; 1000 Genomes Project 30x 0.00141; 1000 Genomes Project 0.00160.
gnomAD v4.1: 702 of 1,612,748 alleles (0.044%); highest among the groups gnomAD compares: South Asian, 0.74%; 17 homozygotes.

Submissions (3):

CeGaT Center for Human Genetics Tuebingen
Classification: Likely benign. Last evaluated: 2024-11-01. Review status: criteria provided, single submitter. Criteria: CeGaT Center For Human Genetics Tuebingen Variant Classification Criteria Version 2. Collection method: clinical testing. Allele origin: germline. Affected: yes. Observed: 1 variant allele.
Comment: KANSL1: BS2

Labcorp Genetics (formerly Invitae), Labcorp
Classification: Benign for Koolen-de Vries syndrome. Last evaluated: 2024-10-22. Review status: criteria provided, single submitter. Criteria: Invitae Variant Classification Sherloc (09022015). Collection method: clinical testing. Allele origin: germline.

GeneDx
Classification: Benign. Last evaluated: 2017-01-27. Review status: criteria provided, single submitter. Criteria: GeneDx Variant Classification (06012015). Collection method: clinical testing. Allele origin: germline. Affected: yes.
Comment: This variant is considered likely benign or benign based on one or more of the following criteria: it is a conservative change, it occurs at a poorly conserved position in the protein, it is predicted to be benign by multiple in silico algorithms, and/or has population frequency not consistent with disease.

NM_015443.4(KANSL1):c.1423G>A (p.Ala475Thr)

Gene: KANSL1 (KAT8 regulatory NSL complex subunit 1). Cytogenetic location: 17q21.31.
Variant type: single nucleotide variant.
Coding change: c.1423G>A on transcript NM_015443.4 (MANE Select); coding-DNA position 1423, G replaced by A.
Protein change: p.Ala475Thr; replaces alanine 475 with threonine.
Molecular consequence: missense variant.
Genome position (GRCh38, 1-based): chr17:46,094,568, C>T on the plus strand (G>A on the coding strand, the complement: KANSL1 is on the minus strand). VCF-style: chr17-46094568-C-T. GRCh37 (hg19) VCF-style: chr17-44171934-C-T.
Other names: p.A475T:GCT>ACT; c.1423G>A, p.Ala475Thr (NM_001193465.2, NM_001193466.2, NM_001379198.1); short protein forms A475T.
Identifiers: ClinVar variation 205733 (VCV000205733.26), dbSNP rs547462953, ClinGen allele CA315093.